The following is an entry in ClinVar:

NM_006160.4(NEUROD2):c.976T>C (p.Ser326Pro)

Gene: NEUROD2 (neuronal differentiation 2; minus strand). Cytogenetic location: 17q12.
Variant type: single nucleotide variant.
Coding change: c.976T>C on transcript NM_006160.4 (MANE Select); coding-DNA position 976, T replaced by C.
Protein change: p.Ser326Pro; replaces serine 326 with proline.
Molecular consequence: missense variant.
Genome position (GRCh38, 1-based): chr17:39,605,624, A>G on the plus strand (T>C on the coding strand, the complement: NEUROD2 is on the minus strand). VCF-style: chr17-39605624-A-G. GRCh37 (hg19) VCF-style: chr17-37761877-A-G.
Other names: short protein forms S326P.
Identifiers: ClinVar variation 5025486 (VCV005025486.1).

ClinVar aggregate classification (germline): Uncertain significance (1 of 4 stars; one submission).

Conditions:
Inborn genetic diseases. Identifiers: MedGen C0950123, MeSH D030342.

gnomAD v4.1: 3 of 1,613,208 alleles (0.00019%); highest among the groups gnomAD compares: Non-Finnish European, 0.000085%; no homozygotes.

Submission:

Ambry Genetics
Classification: Uncertain significance for Inborn genetic diseases. Last evaluated: 2026-07-13. Review status: criteria provided, single submitter. Criteria: Ambry Variant Classification Scheme 2023. Collection method: clinical testing. Allele origin: germline.
Comment: The c.976T>C (p.S326P) alteration is located in exon 2 (coding exon 1) of the NEUROD2 gene. This alteration results from a T to C substitution at nucleotide position 976, causing the serine (S) at amino acid position 326 to be replaced by a proline (P). Based on data from gnomAD, the C allele has an overall frequency of <0.001% (1/245840) total alleles studied. The highest observed frequency was <0.001% (/) of alleles. Based on insufficient or conflicting evidence, the clinical significance of this alteration remains unclear.